The following is an entry in ClinVar:

ClinVar aggregate classification (germline): Uncertain significance. Review status: criteria provided, multiple submitters, no conflicts (2 of 4 stars). 4 submissions from 4 submitters: Uncertain significance (4). Last evaluated 2024-10-22.

Conditions:
Joubert syndrome 3 (JBTS3). Also called: AHI1-related Ciliopathy. Identifiers: Orphanet 220493, MedGen C1837713, MONDO:0012078, OMIM 608629.
Joubert syndrome. Also called: Familial aplasia of the vermis; JOUBERT-BOLTSHAUSER SYNDROME. Identifiers: Orphanet 475, MedGen C5979921, MONDO:0018772.

Allele frequency attached by ClinVar (database versions not stated): TOPMed 0.00004.
gnomAD v4.1: 98 of 1,612,690 alleles (0.0061%); highest among the groups gnomAD compares: Non-Finnish European, 0.008%; no homozygotes.

Submissions (4):

Blueprint Genetics
Classification: Uncertain significance. Last evaluated: 2024-10-22. Review status: criteria provided, single submitter. Criteria: ACMG Guidelines, 2015. Collection method: clinical testing. Allele origin: germline.

Fulgent Genetics
Classification: Uncertain significance for Joubert syndrome 3. Last evaluated: 2024-05-23. Review status: criteria provided, single submitter. Criteria: ACMG Guidelines, 2015. Collection method: clinical testing. Allele origin: germline.

GeneDx
Classification: Uncertain significance. Last evaluated: 2023-06-28. Review status: criteria provided, single submitter. Criteria: GeneDx Variant Classification Process June 2021. Collection method: clinical testing. Allele origin: germline. Affected: yes.
Comment: Not observed at significant frequency in large population cohorts (gnomAD); In silico analysis supports that this missense variant has a deleterious effect on protein structure/function; Has not been previously published as pathogenic or benign to our knowledge

Labcorp Genetics (formerly Invitae), Labcorp
Classification: Uncertain significance for Joubert syndrome. Last evaluated: 2022-06-13. Review status: criteria provided, single submitter. Criteria: Invitae Variant Classification Sherloc (09022015). Collection method: clinical testing. Allele origin: germline.
Comment: This sequence change replaces arginine, which is basic and polar, with histidine, which is basic and polar, at codon 15 of the AHI1 protein (p.Arg15His). This variant is present in population databases (rs760220297, gnomAD 0.007%). This variant has not been reported in the literature in individuals affected with AHI1-related conditions. ClinVar contains an entry for this variant (Variation ID: 452439). Advanced modeling of protein sequence and biophysical properties (such as structural, functional, and spatial information, amino acid conservation, physicochemical variation, residue mobility, and thermodynamic stability) performed at Invitae indicates that this missense variant is not expected to disrupt AHI1 protein function. In summary, the available evidence is currently insufficient to determine the role of this variant in disease. Therefore, it has been classified as a Variant of Uncertain Significance.

NM_001134831.2(AHI1):c.44G>A (p.Arg15His)

Gene: AHI1 (Abelson helper integration site 1; minus strand). Cytogenetic location: 6q23.3.
Variant type: single nucleotide variant.
Coding change: c.44G>A on transcript NM_001134831.2 (MANE Select); coding-DNA position 44, G replaced by A.
Protein change: p.Arg15His; replaces arginine 15 with histidine.
Molecular consequence: missense variant.
Genome position (GRCh38, 1-based): chr6:135,490,714, C>T on the plus strand (G>A on the coding strand, the complement: AHI1 is on the minus strand). VCF-style: chr6-135490714-C-T. GRCh37 (hg19) VCF-style: chr6-135811852-C-T.
Other names: c.44G>A, p.Arg15His (NM_001134830.2, NM_001134832.2, NM_001350503.2 and 2 more transcripts); short protein forms R15H.
Identifiers: ClinVar variation 452439 (VCV000452439.11), dbSNP rs760220297, ClinGen allele CA4012970.
Genomic context (GRCh38, chr6:135,490,714, plus strand): 5'-TTCTTCAGTTTTTTCTTTTCACGCATTAGATCACTGTGGGTCTTAAGCAATTCTTCAAAG[C>T]GAACTTTGGTTTTTACTTTTGCTTCACTCTCAGCTACAAAAGATACAGCCATGTGATTTT-3'
Protein context (NP_001128303.1, residues 5-25): ESEAKVKTKV[Arg15His]FEELLKTHSD